The following is an entry in ClinVar:

ClinVar aggregate classification (germline): Uncertain significance (1 of 4 stars; one submission).

Allele frequency attached by ClinVar (database versions not stated): gnomAD exomes below 0.00001; ExAC 0.00002.
gnomAD v4.1: 2 of 1,614,072 alleles (0.00012%); highest among the groups gnomAD compares: Admixed American, 0.0033%; no homozygotes.

Submission:

Labcorp Genetics (formerly Invitae), Labcorp
Classification: Uncertain significance. Last evaluated: 2022-07-24. Review status: criteria provided, single submitter. Criteria: Invitae Variant Classification Sherloc (09022015). Collection method: clinical testing. Allele origin: germline.
Comment: In summary, the available evidence is currently insufficient to determine the role of this variant in disease. Therefore, it has been classified as a Variant of Uncertain Significance. Algorithms developed to predict the effect of missense changes on protein structure and function are either unavailable or do not agree on the potential impact of this missense change (SIFT: "Not Available"; PolyPhen-2: "Benign"; Align-GVGD: "Not Available"). This variant has not been reported in the literature in individuals affected with ADAMTS18-related conditions. This variant is present in population databases (rs764704645, gnomAD 0.009%). This sequence change replaces alanine, which is neutral and non-polar, with valine, which is neutral and non-polar, at codon 527 of the ADAMTS18 protein (p.Ala527Val).

NM_199355.4(ADAMTS18):c.1580C>T (p.Ala527Val)

Gene: ADAMTS18 (ADAM metallopeptidase with thrombospondin type 1 motif 18; minus strand). Cytogenetic location: 16q23.1.
Variant type: single nucleotide variant.
Coding change: c.1580C>T on transcript NM_199355.4 (MANE Select); coding-DNA position 1580, C replaced by T.
Protein change: p.Ala527Val; replaces alanine 527 with valine.
Molecular consequence: missense variant.
Genome position (GRCh38, 1-based): chr16:77,353,767, G>A on the plus strand (C>T on the coding strand, the complement: ADAMTS18 is on the minus strand). VCF-style: chr16-77353767-G-A. GRCh37 (hg19) VCF-style: chr16-77387664-G-A.
Other names: c.1064C>T, p.Ala355Val (NM_001326358.2); short protein forms A355V, A527V.
Identifiers: ClinVar variation 1900977 (VCV001900977.5), dbSNP rs764704645, ClinGen allele CA8181268.